The following is an entry in ClinVar:

NM_000130.5(F5):c.3738_4007del (p.His1246_Ser1335del)

Gene: F5 (coagulation factor V; minus strand). Cytogenetic location: 1q24.2.
Variant type: Deletion.
Coding change: c.3738_4007del on transcript NM_000130.5 (MANE Select); coding-DNA positions 3738 to 4007, 270 bases deleted.
Protein change: p.His1246_Ser1335del.
Genome position (GRCh38, 1-based): chr1:169,541,083-169,541,352, 270 bases deleted. GRCh37 (hg19): chr1:169,510,328-169,510,597.
Identifiers: ClinVar variation 4805202 (VCV004805202.1).

ClinVar aggregate classification (germline): Uncertain significance (1 of 4 stars; one submission).

Conditions:
Congenital factor V deficiency. Also called: LABILE FACTOR DEFICIENCY; OWREN PARAHEMOPHILIA; PARAHEMOPHILIA; Hereditary factor V deficiency disease. Identifiers: Orphanet 326, MedGen C0015499, MONDO:0009210, OMIM 227400.

Submission:

Labcorp Genetics (formerly Invitae), Labcorp
Classification: Uncertain significance for Congenital factor V deficiency. Last evaluated: 2025-08-05. Review status: criteria provided, single submitter. Criteria: Invitae Variant Classification Sherloc (09022015). Collection method: clinical testing. Allele origin: germline.
Comment: This variant, c.3738_4007del, results in the deletion of 90 amino acid(s) of the F5 protein (p.His1246_Ser1335del), but otherwise preserves the integrity of the reading frame. This variant is not present in population databases (gnomAD no frequency). This variant has not been reported in the literature in individuals affected with F5-related conditions. Experimental studies and prediction algorithms are not available or were not evaluated, and the functional significance of this variant is currently unknown. In summary, the available evidence is currently insufficient to determine the role of this variant in disease. Therefore, it has been classified as a Variant of Uncertain Significance.